The following is an entry in ClinVar:

NM_006623.4(PHGDH):c.1151A>G (p.Lys384Arg)

Gene: PHGDH (phosphoglycerate dehydrogenase; plus strand). Cytogenetic location: 1p12.
Variant type: single nucleotide variant.
Coding change: c.1151A>G on transcript NM_006623.4 (MANE Select); coding-DNA position 1151, A replaced by G.
Protein change: p.Lys384Arg; replaces lysine 384 with arginine.
Molecular consequence: missense variant.
Genome position (GRCh38, 1-based): chr1:119,741,839, A>G. VCF-style: chr1-119741839-A-G. GRCh37 (hg19) VCF-style: chr1-120284462-A-G.
Other names: short protein forms K384R.
Identifiers: ClinVar variation 1511612 (VCV001511612.3), dbSNP rs1299589464, ClinGen allele CA341853023.

ClinVar aggregate classification (germline): Uncertain significance (1 of 4 stars; one submission).

Conditions:
PHGDH deficiency. Identifiers: Orphanet 79351, MedGen C1866174, MONDO:0011152, OMIM 601815.

Allele frequency attached by ClinVar (database versions not stated): gnomAD exomes 0.00001.
gnomAD v4.1: 3 of 1,613,842 alleles (0.00019%); highest among the groups gnomAD compares: Admixed American, 0.005%; no homozygotes.

Submission:

Labcorp Genetics (formerly Invitae), Labcorp
Classification: Uncertain significance for PHGDH deficiency. Last evaluated: 2022-10-13. Review status: criteria provided, single submitter. Criteria: Invitae Variant Classification Sherloc (09022015). Collection method: clinical testing. Allele origin: germline.
Comment: This sequence change replaces lysine, which is basic and polar, with arginine, which is basic and polar, at codon 384 of the PHGDH protein (p.Lys384Arg). This variant is present in population databases (no rsID available, gnomAD 0.009%). This variant has not been reported in the literature in individuals affected with PHGDH-related conditions. ClinVar contains an entry for this variant (Variation ID: 1511612). Algorithms developed to predict the effect of missense changes on protein structure and function output the following: SIFT: "Tolerated"; PolyPhen-2: "Benign"; Align-GVGD: "Class C0". The arginine amino acid residue is found in multiple mammalian species, which suggests that this missense change does not adversely affect protein function. In summary, the available evidence is currently insufficient to determine the role of this variant in disease. Therefore, it has been classified as a Variant of Uncertain Significance.